The following is an entry in ClinVar:

NM_018249.6(CDK5RAP2):c.4273C>T (p.Arg1425Trp)

Gene: CDK5RAP2 (CDK5 regulatory subunit associated protein 2; minus strand). Cytogenetic location: 9q33.2.
Variant type: single nucleotide variant.
Coding change: c.4273C>T on transcript NM_018249.6 (MANE Select); coding-DNA position 4273, C replaced by T.
Protein change: p.Arg1425Trp; replaces arginine 1425 with tryptophan.
Molecular consequence: missense variant. On other transcripts: non-coding transcript variant (5).
Genome position (GRCh38, 1-based): chr9:120,415,064, G>A on the plus strand (C>T on the coding strand, the complement: CDK5RAP2 is on the minus strand). VCF-style: chr9-120415064-G-A. GRCh37 (hg19) VCF-style: chr9-123177342-G-A.
Other names: c.4273C>T, p.Arg1425Trp (NM_001011649.3); c.3583C>T, p.Arg1195Trp (NM_001272039.2); c.4174C>T, p.Arg1392Trp (NM_001410992.1); c.4177C>T, p.Arg1393Trp (NM_001410993.1); c.4270C>T, p.Arg1424Trp (NM_001410994.1); short protein forms R1393W, R1425W, R1195W, R1424W, R1392W.
Identifiers: ClinVar variation 2181677 (VCV002181677.3), dbSNP rs200356726, ClinGen allele CA5213614.

ClinVar aggregate classification (germline): Uncertain significance (1 of 4 stars; one submission).

Allele frequency attached by ClinVar (database versions not stated): gnomAD exomes 0.00003; ExAC 0.00007; gnomAD 0.00009; TOPMed 0.00015; 1000 Genomes Project 30x 0.00031; 1000 Genomes Project 0.00040.
gnomAD v4.1: 62 of 1,614,106 alleles (0.0038%); highest among the groups gnomAD compares: Admixed American, 0.03%; no homozygotes.

Submission:

Labcorp Genetics (formerly Invitae), Labcorp
Classification: Uncertain significance. Last evaluated: 2025-01-13. Review status: criteria provided, single submitter. Criteria: Invitae Variant Classification Sherloc (09022015). Collection method: clinical testing. Allele origin: germline.
Comment: This sequence change replaces arginine, which is basic and polar, with tryptophan, which is neutral and slightly polar, at codon 1425 of the CDK5RAP2 protein (p.Arg1425Trp). This variant is present in population databases (rs200356726, gnomAD 0.02%). This variant has not been reported in the literature in individuals affected with CDK5RAP2-related conditions. ClinVar contains an entry for this variant (Variation ID: 2181677). An algorithm developed to predict the effect of missense changes on protein structure and function (PolyPhen-2) suggests that this variant is likely to be disruptive. In summary, the available evidence is currently insufficient to determine the role of this variant in disease. Therefore, it has been classified as a Variant of Uncertain Significance.